The following is an entry in ClinVar:

NM_024928.5(STN1):c.1010C>G (p.Pro337Arg)

Gene: STN1 (STN1 subunit of CST complex; minus strand). Cytogenetic location: 10q24.33.
Variant type: single nucleotide variant.
Coding change: c.1010C>G on transcript NM_024928.5 (MANE Select); coding-DNA position 1010, C replaced by G.
Protein change: p.Pro337Arg; replaces proline 337 with arginine.
Molecular consequence: missense variant.
Genome position (GRCh38, 1-based): chr10:103,882,781, G>C on the plus strand (C>G on the coding strand, the complement: STN1 is on the minus strand). VCF-style: chr10-103882781-G-C. GRCh37 (hg19) VCF-style: chr10-105642539-G-C.
Other names: short protein forms P337R.
Identifiers: ClinVar variation 1998091 (VCV001998091.4), dbSNP rs780655414, ClinGen allele CA378042723.

ClinVar aggregate classification (germline): Uncertain significance (1 of 4 stars; one submission).

gnomAD v4.1: 2 of 1,614,174 alleles (0.00012%); highest among the groups gnomAD compares: Non-Finnish European, 0.00017%; no homozygotes.

Submission:

Labcorp Genetics (formerly Invitae), Labcorp
Classification: Uncertain significance. Last evaluated: 2022-11-01. Review status: criteria provided, single submitter. Criteria: Invitae Variant Classification Sherloc (09022015). Collection method: clinical testing. Allele origin: germline.
Comment: This sequence change replaces proline, which is neutral and non-polar, with arginine, which is basic and polar, at codon 337 of the STN1 protein (p.Pro337Arg). This variant is not present in population databases (gnomAD no frequency). This variant has not been reported in the literature in individuals affected with STN1-related conditions. Advanced modeling of protein sequence and biophysical properties (such as structural, functional, and spatial information, amino acid conservation, physicochemical variation, residue mobility, and thermodynamic stability) performed at Invitae indicates that this missense variant is not expected to disrupt STN1 protein function. In summary, the available evidence is currently insufficient to determine the role of this variant in disease. Therefore, it has been classified as a Variant of Uncertain Significance.